The following is an entry in ClinVar:

ClinVar aggregate classification (germline): Pathogenic (1 of 4 stars; one submission).

Conditions:
Heterotopia, periventricular, X-linked dominant (PVNH1). Also called: PERIVENTRICULAR NODULAR HETEROTOPIA 1; X-linked periventricular heterotopia; PERIVENTRICULAR NODULAR HETEROTOPIA 4; HETEROTOPIA, PERIVENTRICULAR, 1. Identifiers: Orphanet 2149, Orphanet 82004, MedGen C1848213, MONDO:0010233, OMIM 300049.
Oto-palato-digital syndrome, type II (OPD2). Also called: OPD II SYNDROME; FACIOPALATOOSSEOUS SYNDROME; Otopalatodigital Syndrome, Type II; Otopalatodigital Syndrome Type 2 (FLNA-OPD2). Identifiers: Orphanet 669, Orphanet 90652, MedGen C1844696, MONDO:0010571, OMIM 304120.
Melnick-Needles syndrome (MNS). Also called: MELNICK-NEEDLES OSTEODYSPLASTY; OSTEODYSPLASTY OF MELNICK AND NEEDLES; Melnick-Needles Syndrome (FLNA-MNS). Identifiers: Orphanet 2484, MedGen C0025237, MONDO:0010650, OMIM 309350.
Frontometaphyseal dysplasia (FMD1). Identifiers: Orphanet 1826, MedGen C0265293, MONDO:0015942.

Submission:

Labcorp Genetics (formerly Invitae), Labcorp
Classification: Pathogenic for Oto-palato-digital syndrome, type II; Heterotopia, periventricular, X-linked dominant; Frontometaphyseal dysplasia; Melnick-Needles syndrome. Last evaluated: 2020-08-29. Review status: criteria provided, single submitter. Criteria: Invitae Variant Classification Sherloc (09022015). Collection method: clinical testing. Allele origin: germline.
Comment: This variant has not been reported in the literature in individuals with FLNA-related conditions. This variant is not present in population databases (ExAC no frequency). This sequence change creates a premature translational stop signal (p.Thr1380Asnfs*26) in the FLNA gene. It is expected to result in an absent or disrupted protein product. Loss-of-function variants in FLNA are known to be pathogenic (PMID: 16684786, 20730588, 26471271). For these reasons, this variant has been classified as Pathogenic.

Literature cited by the submitters: PubMed 16684786; PubMed 20730588; PubMed 26471271.

NM_001110556.2(FLNA):c.4138dup (p.Thr1380fs)

Gene: FLNA (filamin A; minus strand). Cytogenetic location: Xq28.
Variant type: Duplication.
Coding change: c.4138dup on transcript NM_001110556.2 (MANE Select); coding-DNA position 4138, one base duplicated (A; older notation c.4138dupA).
Protein change: p.Thr1380fs; shifts the reading frame from threonine 1380.
Molecular consequence: frameshift variant.
Genome position (GRCh38, 1-based): chrX:154,359,488, T duplicated on the plus strand (A on the coding strand, the reverse complement: FLNA is on the minus strand). VCF-style (leftmost placement, unchanged base first): chrX-154359487-G-GT. GRCh37 (hg19) VCF-style: chrX-153587855-G-GT.
Other names: c.4138dup, p.Thr1380fs (NM_001456.4); short protein forms T1380fs.
Identifiers: ClinVar variation 1075693 (VCV001075693.7), dbSNP rs2148111417, ClinGen allele CA2499226487.
Genomic context (GRCh38, chrX:154,359,487, plus strand): 5'-GTCATTCCTGGGGTTCCCAGGCCCACCAGCCACACGGGCTCCTGGGGGCTCCCTTACCTG[G>GT]TCTCCACAGTGAACTTGTTGGGCTTGTTGGTGGTGCCACTTTGGATGCCTGGCCCGTGGA-3'